The following is an entry in ClinVar:

NM_020975.6(RET):c.3206G>A (p.Trp1069Ter)

Gene: RET (ret proto-oncogene; plus strand). Cytogenetic location: 10q11.21.
Variant type: single nucleotide variant.
Coding change: c.3206G>A on transcript NM_020975.6 (MANE Select); coding-DNA position 3206, G replaced by A.
Protein change: p.Trp1069Ter; replaces tryptophan 1069 with a stop codon.
Molecular consequence: nonsense. On other transcripts: 3 prime UTR variant (18), intron variant (3).
Genome position (GRCh38, 1-based): chr10:43,128,130, G>A. VCF-style: chr10-43128130-G-A. GRCh37 (hg19) VCF-style: chr10-43623578-G-A.
Other names: c.*1376G>A (NM_001355216.2, NM_001406764.1, NM_001406765.1 and 15 more transcripts); c.3206G>A, p.Trp1069Ter (NM_001406743.1); c.3146G>A, p.Trp1049Ter (NM_001406759.1, NM_001406760.1); c.3077G>A, p.Trp1026Ter (NM_001406761.1, NM_001406762.1); c.3071G>A, p.Trp1024Ter (NM_001406763.1); c.2918G>A, p.Trp973Ter (NM_001406766.1, NM_001406767.1); c.2810G>A, p.Trp937Ter (NM_001406769.1); c.2768G>A, p.Trp923Ter (NM_001406771.1); and 10 more; short protein forms W1026*, W1049*, W566*, W674*, W973*, W1069*, W937*, W586*.
Identifiers: ClinVar variation 4152784 (VCV004152784.2).

ClinVar aggregate classification (germline): Uncertain significance. Review status: criteria provided, multiple submitters, no conflicts (2 of 4 stars). 2 submissions from 2 submitters: Uncertain significance (2). Last evaluated 2025-07-02.

Conditions:
Hereditary cancer-predisposing syndrome. Also called: Neoplastic Syndromes, Hereditary; Tumor predisposition; Hereditary neoplastic syndrome; Hereditary Cancer Syndrome. Identifiers: Orphanet 140162, MedGen C0027672, MeSH D009386, MONDO:0015356.

Submissions (2):

Ambry Genetics
Classification: Uncertain significance for Hereditary cancer-predisposing syndrome. Last evaluated: 2025-07-02. Review status: criteria provided, single submitter. Criteria: Ambry Variant Classification Scheme 2023. Collection method: clinical testing. Allele origin: germline.
Comment: The p.W1069* variant (also known as c.3206G>A), located in coding exon 20 of the RET gene, results from a G to A substitution at nucleotide position 3206. This changes the amino acid from a tryptophan to a stop codon within coding exon 20. This alteration occurs at the 3' terminus of theRET gene, is not expected to trigger nonsense-mediated mRNAdecay, and impacts the last 4% of the protein. The exact functional effect of this alteration is unknown. Based on the available evidence, the clinical significance of this variant remains unclear.

Blueprint Genetics
Classification: Uncertain significance. Last evaluated: 2022-12-16. Review status: criteria provided, single submitter. Criteria: ACMG Guidelines, 2015. Collection method: clinical testing. Allele origin: germline.